The following is an entry in ClinVar:

ClinVar aggregate classification (germline): Uncertain significance (1 of 4 stars; one submission).

gnomAD v4.1: 6 of 1,614,070 alleles (0.00037%); highest among the groups gnomAD compares: Non-Finnish European, 0.00051%; no homozygotes.

Submission:

Labcorp Genetics (formerly Invitae), Labcorp
Classification: Uncertain significance. Last evaluated: 2024-05-01. Review status: criteria provided, single submitter. Criteria: Invitae Variant Classification Sherloc (09022015). Collection method: clinical testing. Allele origin: germline.
Comment: This sequence change replaces serine, which is neutral and polar, with arginine, which is basic and polar, at codon 1112 of the CTR9 protein (p.Ser1112Arg). This variant is present in population databases (no rsID available, gnomAD 0.007%). This variant has not been reported in the literature in individuals affected with CTR9-related conditions. An algorithm developed to predict the effect of missense changes on protein structure and function (PolyPhen-2) suggests that this variant is likely to be tolerated. In summary, the available evidence is currently insufficient to determine the role of this variant in disease. Therefore, it has been classified as a Variant of Uncertain Significance.

NM_014633.5(CTR9):c.3336C>A (p.Ser1112Arg)

Gene: CTR9 (CTR9 component of Paf1/RNA polymerase II complex; plus strand). Cytogenetic location: 11p15.4.
Variant type: single nucleotide variant.
Coding change: c.3336C>A on transcript NM_014633.5 (MANE Select); coding-DNA position 3336, C replaced by A.
Protein change: p.Ser1112Arg; replaces serine 1112 with arginine.
Molecular consequence: missense variant.
Genome position (GRCh38, 1-based): chr11:10,778,919, C>A. VCF-style: chr11-10778919-C-A. GRCh37 (hg19) VCF-style: chr11-10800466-C-A.
Other names: c.3264C>A, p.Ser1088Arg (NM_001346279.2); short protein forms S1112R, S1088R.
Identifiers: ClinVar variation 3715870 (VCV003715870.2).